The following is an entry in ClinVar:

NM_001035.3(RYR2):c.1828-236A>C

Gene: RYR2 (ryanodine receptor 2; plus strand). Cytogenetic location: 1q43.
Variant type: single nucleotide variant.
Coding change: c.1828-236A>C on transcript NM_001035.3 (MANE Select); 236 bases into the intron before coding-DNA position 1828, A replaced by C.
Molecular consequence: intron variant.
Genome position (GRCh38, 1-based): chr1:237,492,718, A>C. VCF-style: chr1-237492718-A-C. GRCh37 (hg19) VCF-style: chr1-237656018-A-C.
Identifiers: ClinVar variation 669198 (VCV000669198.1), dbSNP rs12022208, ClinGen allele CA10757306.
Genomic context (GRCh38, chr1:237,492,718, plus strand): 5'-TAGCAATACCCTGTCTTTACAAAAAAAGAAAATTAGCCAGATGTGGTGGCATGCACCTAC[A>C]GAGGCTGAGGTAGGAGGATTCTTTGTGCCCAGGAGTTCAAGTCTGCAGTGAGCTATGATC-3'

ClinVar aggregate classification (germline): Benign (1 of 4 stars; one submission).

Allele frequency attached by ClinVar (database versions not stated): gnomAD 0.61206; TOPMed 0.63818; 1000 Genomes Project 0.66434; 1000 Genomes Project 30x 0.66896.
gnomAD v4.1: 94,428 of 151,532 alleles (62%); highest among the groups gnomAD compares: African/African-American, 89%; 31,743 homozygotes.

Submission:

GeneDx
Classification: Benign. Last evaluated: 2018-06-15. Review status: criteria provided, single submitter. Criteria: GeneDx Variant Classification (06012015). Collection method: clinical testing. Allele origin: germline. Affected: yes.
Comment: This variant is considered likely benign or benign based on one or more of the following criteria: it is a conservative change, it occurs at a poorly conserved position in the protein, it is predicted to be benign by multiple in silico algorithms, and/or has population frequency not consistent with disease.